The following is an entry in ClinVar:

NM_002878.4(RAD51D):c.617_622del (p.Asp206_Ser207del)

Genes: RAD51D (RAD51 paralog D; minus strand), RAD51L3-RFFL (RAD51L3-RFFL readthrough; minus strand). Cytogenetic location: 17q12.
Variant type: Deletion.
Coding change: c.617_622del on transcript NM_002878.4 (MANE Select); coding-DNA positions 617 to 622, 6 bases deleted (ACTCGG; older notation c.617_622delACTCGG).
Protein change: p.Asp206_Ser207del.
Molecular consequence: inframe deletion. On other transcripts: inframe indel (1), non-coding transcript variant (3).
Genome position (GRCh38, 1-based): chr17:35,103,499-35,103,504, CCGAGT deleted on the plus strand (ACTCGG on the coding strand, the reverse complement: RAD51D is on the minus strand); deleting any 6 consecutive bases within chr17:35,103,499-35,103,506 gives the same sequence; the c. name uses the placement nearest the transcript's 3' end. VCF-style (leftmost placement, unchanged base first): chr17-35103498-ACCGAGT-A. GRCh37 (hg19) VCF-style: chr17-33430517-ACCGAGT-A.
Other names: c.617_622delACTCGG (NM_002878.3); c.677_682del, p.Asp226_Ser227del (NM_001142571.2); c.281_286del, p.Asp94_Ser95del (NM_133629.3).
Identifiers: ClinVar variation 2563033 (VCV002563033.2), dbSNP rs2509130330, ClinGen allele CA2580612676.

ClinVar aggregate classification (germline): Uncertain significance (1 of 4 stars; one submission).

Conditions:
Hereditary cancer-predisposing syndrome. Also called: Neoplastic Syndromes, Hereditary; Hereditary Cancer Syndrome; Hereditary neoplastic syndrome; Tumor predisposition. Identifiers: Orphanet 140162, MedGen C0027672, MeSH D009386, MONDO:0015356.

Submission:

Ambry Genetics
Classification: Uncertain significance for Hereditary cancer-predisposing syndrome. Last evaluated: 2023-05-09. Review status: criteria provided, single submitter. Criteria: Ambry Variant Classification Scheme 2023. Collection method: clinical testing. Allele origin: germline.
Comment: The c.617_622delACTCGG variant (also known as p.D206_S207del) is located in coding exon 7 of the RAD51D gene. This variant results from an in-frame ACTCGG deletion at nucleotide positions 617 to 622. This results in the in-frame deletion of an aspartic acid and a serine residue at codon 206-207. This amino acid region is highly conserved in available vertebrate species. In addition, this alteration is predicted to be deleterious by in silico analysis (Choi Y et al. PLoS ONE. 2012; 7(10):e46688). Since supporting evidence is limited at this time, the clinical significance of this alteration remains unclear.